The following is an entry in ClinVar:

NM_001190274.2(FBXO11):c.1399-1G>T

Gene: FBXO11 (F-box protein 11; minus strand). Cytogenetic location: 2p16.3.
Variant type: single nucleotide variant.
Coding change: c.1399-1G>T on transcript NM_001190274.2 (MANE Select); the canonical splice acceptor site of the intron before coding-DNA position 1399, G replaced by T.
Molecular consequence: splice acceptor variant.
Genome position (GRCh38, 1-based): chr2:47,823,361, C>A on the plus strand (G>T on the coding strand, the complement: FBXO11 is on the minus strand). VCF-style: chr2-47823361-C-A. GRCh37 (hg19) VCF-style: chr2-48050500-C-A.
Other names: c.1147-1G>T (NM_001374325.1, NM_025133.4).
Identifiers: ClinVar variation 3897610 (VCV003897610.1).

ClinVar aggregate classification (germline): Pathogenic (1 of 4 stars; one submission).

Conditions:
Intellectual developmental disorder with dysmorphic facies and behavioral abnormalities. Identifiers: MedGen C4748135, MONDO:0060760, OMIM 618089.

Submission:

Genetics Laboratory, UDIAT-Centre Diagnòstic, Hospital Universitari Parc Tauli
Classification: Pathogenic for intellectual developmental disorder with dysmorphic facies and behavioral abnormalities. Last evaluated: 2023-04-26. Review status: criteria provided, single submitter. Criteria: ACMG Guidelines, 2015. Collection method: clinical testing. Allele origin: unknown. Inheritance: Autosomal dominant inheritance. Affected: yes.
Comment: PVS1_very strong;PM2_supporting;PM6_moderate